The following is an entry in ClinVar:

ClinVar aggregate classification (germline): Uncertain significance. Review status: criteria provided, multiple submitters, no conflicts (2 of 4 stars). 2 submissions from 2 submitters: Uncertain significance (2). Last evaluated 2025-09-12.

Conditions:
Inborn genetic diseases. Identifiers: MedGen C0950123, MeSH D030342.

gnomAD v4.1: 2 of 1,613,962 alleles (0.00012%); highest among the groups gnomAD compares: Non-Finnish European, 0.00017%; no homozygotes.

Submissions (2):

Quest Diagnostics Nichols Institute San Juan Capistrano
Classification: Uncertain significance. Last evaluated: 2025-09-12. Review status: criteria provided, single submitter. Criteria: Quest Diagnostics criteria. Collection method: clinical testing. Allele origin: unknown.
Comment: The FANCM c.5386T>A (p.Ser1796Thr) variant has not been reported as a germline variant in individuals with FANCM-related conditions in the published literature. The frequency of this variant in the general population (Genome Aggregation Database) is uninformative in the assessment of its pathogenicity. Analysis of this variant using bioinformatics tools for the prediction of the effect of amino acid changes on protein structure and function yielded conflicting predictions that this variant is benign or damaging. Based on the available information, we are unable to determine the clinical significance of this variant.

Ambry Genetics
Classification: Uncertain significance for Inborn genetic diseases. Last evaluated: 2025-04-19. Review status: criteria provided, single submitter. Criteria: Ambry Variant Classification Scheme 2023. Collection method: clinical testing. Allele origin: germline.
Comment: The p.S1796T variant (also known as c.5386T>A), located in coding exon 21 of the FANCM gene, results from a T to A substitution at nucleotide position 5386. The serine at codon 1796 is replaced by threonine, an amino acid with similar properties. This amino acid position is conserved. In addition, this alteration is predicted to be tolerated by in silico analysis. Based on the available evidence, the clinical significance of this variant remains unclear.

Literature cited by the submitters: PubMed 31624127 (cited by Quest Diagnostics Nichols Institute San Juan Capistrano).

NM_020937.4(FANCM):c.5386T>A (p.Ser1796Thr)

Gene: FANCM (FA complementation group M; plus strand). Cytogenetic location: 14q21.2.
Variant type: single nucleotide variant.
Coding change: c.5386T>A on transcript NM_020937.4 (MANE Select); coding-DNA position 5386, T replaced by A.
Protein change: p.Ser1796Thr; replaces serine 1796 with threonine.
Molecular consequence: missense variant.
Genome position (GRCh38, 1-based): chr14:45,196,217, T>A. VCF-style: chr14-45196217-T-A. GRCh37 (hg19) VCF-style: chr14-45665420-T-A.
Other names: c.5308T>A, p.Ser1770Thr (NM_001308133.2); c.5386T>A (NM_020937.3); short protein forms S1796T, S1770T.
Identifiers: ClinVar variation 4022708 (VCV004022708.2).